The following is an entry in ClinVar:

NM_000188.3(HK1):c.961G>A (p.Glu321Lys)

Gene: HK1 (hexokinase 1; plus strand). Cytogenetic location: 10q22.1.
Variant type: single nucleotide variant.
Coding change: c.961G>A on transcript NM_000188.3 (MANE Select); coding-DNA position 961, G replaced by A.
Protein change: p.Glu321Lys; replaces glutamic acid 321 with lysine.
Molecular consequence: missense variant.
Genome position (GRCh38, 1-based): chr10:69,377,019, G>A. VCF-style: chr10-69377019-G-A. GRCh37 (hg19) VCF-style: chr10-71136775-G-A.
Other names: c.973G>A, p.Glu325Lys (NM_001322364.2, NM_001358263.1, NM_033497.3 and 1 more transcripts); c.1066G>A, p.Glu356Lys (NM_001322365.2); c.877G>A, p.Glu293Lys (NM_001322366.1); c.865G>A, p.Glu289Lys (NM_001322367.1); c.958G>A, p.Glu320Lys (NM_033496.3); c.925G>A, p.Glu309Lys (NM_033500.2); short protein forms E289K, E293K, E321K, E356K, E320K, E309K, E325K.
Identifiers: ClinVar variation 1449171 (VCV001449171.9), dbSNP rs2132855255, ClinGen allele CA376916179.
Genomic context (GRCh38, chr10:69,377,019, plus strand): 5'-TACTTGGGAGAGCTGGTTCGACTGATCCTAGTCAAGATGGCCAAGGAGGGCCTCTTATTT[G>A]AAGGGCGGATCACCCCGGAGCTGCTCACCCGAGGGAAGTTTAACACCAGTGATGTGTCAG-3'
Protein context (NP_000179.2, residues 311-331): VKMAKEGLLF[Glu321Lys]GRITPELLTR

ClinVar aggregate classification (germline): Uncertain significance. Review status: criteria provided, multiple submitters, no conflicts (2 of 4 stars). 2 submissions from 2 submitters: Uncertain significance (2). Last evaluated 2022-01-12.

Submissions (2):

Labcorp Genetics (formerly Invitae), Labcorp
Classification: Uncertain significance. Last evaluated: 2022-01-12. Review status: criteria provided, single submitter. Criteria: Invitae Variant Classification Sherloc (09022015). Collection method: clinical testing. Allele origin: germline.
Comment: In summary, the available evidence is currently insufficient to determine the role of this variant in disease. Therefore, it has been classified as a Variant of Uncertain Significance. Algorithms developed to predict the effect of missense changes on protein structure and function (SIFT, PolyPhen-2, Align-GVGD) all suggest that this variant is likely to be tolerated. This variant has not been reported in the literature in individuals affected with HK1-related conditions. This variant is not present in population databases (gnomAD no frequency). This sequence change replaces glutamic acid, which is acidic and polar, with lysine, which is basic and polar, at codon 321 of the HK1 protein (p.Glu321Lys).

Blueprint Genetics
Classification: Uncertain significance. Last evaluated: 2019-05-10. Review status: criteria provided, single submitter. Criteria: ACMG Guidelines, 2015. Collection method: clinical testing. Allele origin: germline.